The following is an entry in ClinVar:

ClinVar aggregate classification (germline): Uncertain significance (1 of 4 stars; one submission).

Conditions:
Periodic fever-infantile enterocolitis-autoinflammatory syndrome. Also called: Autoinflammation with infantile enterocolitis. Identifiers: Orphanet 436166, MedGen C4015067, MONDO:0014472, OMIM 616050.
Familial cold autoinflammatory syndrome 4 (FCAS4). Identifiers: Orphanet 47045, Orphanet 576349, MedGen C4015276, MONDO:0014498, OMIM 616115.

Submission:

Labcorp Genetics (formerly Invitae), Labcorp
Classification: Uncertain significance for Periodic fever-infantile enterocolitis-autoinflammatory syndrome; Familial cold autoinflammatory syndrome 4. Last evaluated: 2024-05-09. Review status: criteria provided, single submitter. Criteria: Invitae Variant Classification Sherloc (09022015). Collection method: clinical testing. Allele origin: germline.
Comment: This sequence change replaces tyrosine, which is neutral and polar, with histidine, which is basic and polar, at codon 679 of the NLRC4 protein (p.Tyr679His). This variant is not present in population databases (gnomAD no frequency). This variant has not been reported in the literature in individuals affected with NLRC4-related conditions. Advanced modeling of protein sequence and biophysical properties (such as structural, functional, and spatial information, amino acid conservation, physicochemical variation, residue mobility, and thermodynamic stability) performed at Invitae indicates that this missense variant is expected to disrupt NLRC4 protein function with a positive predictive value of 80%. In summary, the available evidence is currently insufficient to determine the role of this variant in disease. Therefore, it has been classified as a Variant of Uncertain Significance.

NM_001199138.2(NLRC4):c.2035T>C (p.Tyr679His)

Gene: NLRC4 (NLR family CARD domain containing 4; minus strand). Cytogenetic location: 2p22.3.
Variant type: single nucleotide variant.
Coding change: c.2035T>C on transcript NM_001199138.2 (MANE Select); coding-DNA position 2035, T replaced by C.
Protein change: p.Tyr679His; replaces tyrosine 679 with histidine.
Molecular consequence: missense variant. On other transcripts: intron variant (1).
Genome position (GRCh38, 1-based): chr2:32,249,829, A>G on the plus strand (T>C on the coding strand, the complement: NLRC4 is on the minus strand). VCF-style: chr2-32249829-A-G. GRCh37 (hg19) VCF-style: chr2-32474898-A-G.
Other names: c.2035T>C, p.Tyr679His (NM_001199139.2, NM_021209.5); c.262+2590T>C (NM_001302504.1); short protein forms Y679H.
Identifiers: ClinVar variation 2938854 (VCV002938854.3), dbSNP rs2466756958, ClinGen allele CA346511145.